The following is an entry in ClinVar:

NM_000719.7(CACNA1C):c.1482-15C>T

Gene: CACNA1C (calcium voltage-gated channel subunit alpha1 C; plus strand). Cytogenetic location: 12p13.33.
Variant type: single nucleotide variant.
Coding change: c.1482-15C>T on transcript NM_000719.7 (MANE Select); 15 bases into the intron before coding-DNA position 1482, C replaced by T.
Molecular consequence: intron variant.
Genome position (GRCh38, 1-based): chr12:2,556,936, C>T. VCF-style: chr12-2556936-C-T. GRCh37 (hg19) VCF-style: chr12-2666102-C-T.
Other names: c.1482-15C>T (NM_001167624.3, NM_001167623.2, NM_001167625.2 and 18 more transcripts); c.1473-15C>T (NM_001129844.2).
Identifiers: ClinVar variation 383656 (VCV000383656.4), dbSNP rs1057521702, ClinGen allele CA16606244.

ClinVar aggregate classification (germline): Likely benign. Review status: criteria provided, multiple submitters, no conflicts (2 of 4 stars). 2 submissions from 2 submitters: Likely benign (2). Last evaluated 2025-07-02.

Conditions:
Long QT syndrome (LQTS). Identifiers: MedGen C0023976, MeSH D008133, MONDO:0002442. Disease mechanism: loss of function. Inheritance: Various modes of inheritance.

Allele frequency attached by ClinVar (database versions not stated): gnomAD exomes 0.00001; TOPMed 0.00001.
gnomAD v4.1: 8 of 1,610,398 alleles (0.0005%); highest among the groups gnomAD compares: Non-Finnish European, 0.00068%; no homozygotes.

Submissions (2):

Labcorp Genetics (formerly Invitae), Labcorp
Classification: Likely benign for Long QT syndrome. Last evaluated: 2025-07-02. Review status: criteria provided, single submitter. Criteria: Invitae Variant Classification Sherloc (09022015). Collection method: clinical testing. Allele origin: germline.

GeneDx
Classification: Likely benign. Last evaluated: 2016-02-10. Review status: criteria provided, single submitter. Criteria: GeneDx Variant Classification (06012015). Collection method: clinical testing. Allele origin: germline. Affected: yes.
Comment: This variant is considered likely benign or benign based on one or more of the following criteria: it is a conservative change, it occurs at a poorly conserved position in the protein, it is predicted to be benign by multiple in silico algorithms, and/or has population frequency not consistent with disease.